The following is an entry in ClinVar:

ClinVar aggregate classification (germline): Uncertain significance. Review status: criteria provided, multiple submitters, no conflicts (2 of 4 stars). 2 submissions from 2 submitters: Uncertain significance (2). Last evaluated 2026-08-13.

Conditions:
Inborn genetic diseases. Identifiers: MedGen C0950123, MeSH D030342.

Submissions (2):

Ambry Genetics
Classification: Uncertain significance for Inborn genetic diseases. Last evaluated: 2026-08-13. Review status: criteria provided, single submitter. Criteria: Ambry Variant Classification Scheme 2023. Collection method: clinical testing. Allele origin: germline.

Labcorp Genetics (formerly Invitae), Labcorp
Classification: Uncertain significance. Last evaluated: 2022-12-10. Review status: criteria provided, single submitter. Criteria: Invitae Variant Classification Sherloc (09022015). Collection method: clinical testing. Allele origin: germline.
Comment: In summary, the available evidence is currently insufficient to determine the role of this variant in disease. Therefore, it has been classified as a Variant of Uncertain Significance. Algorithms developed to predict the effect of missense changes on protein structure and function are either unavailable or do not agree on the potential impact of this missense change (SIFT: "Deleterious"; PolyPhen-2: "Probably Damaging"; Align-GVGD: "Class C0"). This sequence change replaces alanine, which is neutral and non-polar, with valine, which is neutral and non-polar, at codon 431 of the IMPDH1 protein (p.Ala431Val). This variant is not present in population databases (gnomAD no frequency). This variant has not been reported in the literature in individuals affected with IMPDH1-related conditions. ClinVar contains an entry for this variant (Variation ID: 1718124).

NM_000883.4(IMPDH1):c.1292C>T (p.Ala431Val)

Gene: IMPDH1 (inosine monophosphate dehydrogenase 1; minus strand). Cytogenetic location: 7q32.1.
Variant type: single nucleotide variant.
Coding change: c.1292C>T on transcript NM_000883.4 (MANE Select); coding-DNA position 1292, C replaced by T.
Protein change: p.Ala431Val; replaces alanine 431 with valine.
Molecular consequence: missense variant.
Genome position (GRCh38, 1-based): chr7:128,395,244, G>A on the plus strand (C>T on the coding strand, the complement: IMPDH1 is on the minus strand). VCF-style: chr7-128395244-G-A. GRCh37 (hg19) VCF-style: chr7-128035298-G-A.
Other names: c.1262C>T, p.Ala421Val (NM_001102605.2); c.1037C>T, p.Ala346Val (NM_001142573.2); c.1022C>T, p.Ala341Val (NM_001142574.2); c.962C>T, p.Ala321Val (NM_001142575.2); c.1193C>T, p.Ala398Val (NM_001142576.2); c.1085C>T, p.Ala362Val (NM_001304521.2); c.1184C>T, p.Ala395Val (NM_183243.3); c.1292C>T (NM_000883.3); short protein forms A321V, A341V, A346V, A362V, A395V, A398V, A421V, A431V.
Identifiers: ClinVar variation 1718124 (VCV001718124.6), dbSNP rs1009414938, ClinGen allele CA369163989.